The following is an entry in ClinVar:

NM_001365951.3(KIF1B):c.1688C>G (p.Ala563Gly)

Gene: KIF1B (kinesin family member 1B; plus strand). Cytogenetic location: 1p36.22.
Variant type: single nucleotide variant.
Coding change: c.1688C>G on transcript NM_001365951.3 (MANE Select); coding-DNA position 1688, C replaced by G.
Protein change: p.Ala563Gly; replaces alanine 563 with glycine.
Molecular consequence: missense variant.
Genome position (GRCh38, 1-based): chr1:10,295,677, C>G. VCF-style: chr1-10295677-C-G. GRCh37 (hg19) VCF-style: chr1-10355735-C-G.
Other names: c.1688C>G, p.Ala563Gly (NM_001365952.1); c.1550C>G, p.Ala517Gly (NM_001365953.1, NM_015074.3, NM_183416.4); short protein forms A517G, A563G.
Identifiers: ClinVar variation 1775041 (VCV001775041.2), dbSNP rs1380115558, ClinGen allele CA338314789.

ClinVar aggregate classification (germline): Uncertain significance (1 of 4 stars; one submission).

Allele frequency attached by ClinVar (database versions not stated): gnomAD exomes below 0.00001.

Submission:

Ambry Genetics
Classification: Uncertain significance. Last evaluated: 2021-05-13. Review status: criteria provided, single submitter. Criteria: Ambry Variant Classification Scheme 2023. Collection method: clinical testing. Allele origin: germline.
Comment: The p.A517G variant (also known as c.1550C>G), located in coding exon 16 of the KIF1B gene, results from a C to G substitution at nucleotide position 1550. The alanine at codon 517 is replaced by glycine, an amino acid with similar properties. This amino acid position is highly conserved in available vertebrate species. In addition, the in silico prediction for this alteration is inconclusive. Since supporting evidence is limited at this time, the clinical significance of this alteration remains unclear.